The following is an entry in ClinVar:

NM_001005242.3(PKP2):c.2471T>C (p.Val824Ala)

Gene: PKP2 (plakophilin 2; minus strand). Cytogenetic location: 12p11.21.
Variant type: single nucleotide variant.
Coding change: c.2471T>C on transcript NM_001005242.3 (MANE Select); coding-DNA position 2471, T replaced by C.
Protein change: p.Val824Ala; replaces valine 824 with alanine.
Molecular consequence: missense variant.
Genome position (GRCh38, 1-based): chr12:32,792,467, A>G on the plus strand (T>C on the coding strand, the complement: PKP2 is on the minus strand). VCF-style: chr12-32792467-A-G. GRCh37 (hg19) VCF-style: chr12-32945401-A-G.
Other names: c.2281T>C, p.Ser761Pro (NM_001407155.1); c.2306T>C, p.Val769Ala (NM_001407156.1); c.2144T>C, p.Val715Ala (NM_001407158.1, NM_001407159.1); c.1954T>C, p.Ser652Pro (NM_001407160.1); c.2603T>C, p.Val868Ala (NM_004572.4); short protein forms S652P, S761P, V715A, V769A, V824A, V868A.
Identifiers: ClinVar variation 3893715 (VCV003893715.1).

ClinVar aggregate classification (germline): Uncertain significance (1 of 4 stars; one submission).

Conditions:
Cardiomyopathy (CMYO). Also called: Cardiomyopathies. Identifiers: Orphanet 167848, MedGen C0878544, MONDO:0004994, HP:0001638. Inheritance: Various modes of inheritance.

Submission:

Color Diagnostics, LLC DBA Color Health
Classification: Uncertain significance for Cardiomyopathy. Last evaluated: 2024-03-10. Review status: criteria provided, single submitter. Criteria: ACMG Guidelines, 2015. Collection method: clinical testing. Allele origin: germline.
Comment: This missense variant replaces valine with alanine at codon 868 of the PKP2 protein. Computational prediction is inconclusive regarding the impact of this variant on protein structure and function (internally defined REVEL score threshold 0.5 < inconclusive < 0.7, PMID: 27666373). To our knowledge, functional studies have not been reported for this variant. This variant has not been reported in individuals affected with PKP2-related disorders in the literature. This variant has not been identified in the general population by the Genome Aggregation Database (gnomAD). The available evidence is insufficient to determine the role of this variant in disease conclusively. Therefore, this variant is classified as a Variant of Uncertain Significance.